The following is an entry in ClinVar:

NM_002109.6(HARS1):c.241A>G (p.Ile81Val)

Gene: HARS1 (histidyl-tRNA synthetase 1; minus strand). Cytogenetic location: 5q31.3.
Variant type: single nucleotide variant.
Coding change: c.241A>G on transcript NM_002109.6 (MANE Select); coding-DNA position 241, A replaced by G.
Protein change: p.Ile81Val; replaces isoleucine 81 with valine.
Molecular consequence: missense variant. On other transcripts: intron variant (3).
Genome position (GRCh38, 1-based): chr5:140,683,159, T>C on the plus strand (A>G on the coding strand, the complement: HARS1 is on the minus strand). VCF-style: chr5-140683159-T-C. GRCh37 (hg19) VCF-style: chr5-140062744-T-C.
Other names: c.241A>G, p.Ile81Val (NM_001258041.3, NM_001289092.2); c.154A>G, p.Ile52Val (NM_001289094.2); c.181-5144A>G (NM_001289093.2); c.181-3276A>G (NM_001258042.3, NM_001258040.3); short protein forms I52V, I81V.
Identifiers: ClinVar variation 2783311 (VCV002783311.3), dbSNP rs1758821449, ClinGen allele CA361259151.

ClinVar aggregate classification (germline): Uncertain significance (1 of 4 stars; one submission).

Conditions:
Usher syndrome type 3B. Also called: USHER SYNDROME, TYPE IIIB. Identifiers: MedGen C3281066, MONDO:0013788, OMIM 614504.

Submission:

Labcorp Genetics (formerly Invitae), Labcorp
Classification: Uncertain significance for Usher syndrome type 3B. Last evaluated: 2022-12-16. Review status: criteria provided, single submitter. Criteria: Invitae Variant Classification Sherloc (09022015). Collection method: clinical testing. Allele origin: germline.
Comment: In summary, the available evidence is currently insufficient to determine the role of this variant in disease. Therefore, it has been classified as a Variant of Uncertain Significance. Advanced modeling of protein sequence and biophysical properties (such as structural, functional, and spatial information, amino acid conservation, physicochemical variation, residue mobility, and thermodynamic stability) performed at Invitae indicates that this missense variant is not expected to disrupt HARS protein function. This variant has not been reported in the literature in individuals affected with HARS-related conditions. This variant is not present in population databases (gnomAD no frequency). This sequence change replaces isoleucine, which is neutral and non-polar, with valine, which is neutral and non-polar, at codon 81 of the HARS protein (p.Ile81Val).